The following is an entry in ClinVar:

ClinVar aggregate classification (germline): Uncertain significance (1 of 4 stars; one submission).

gnomAD v4.1: 10 of 1,613,636 alleles (0.00062%); highest among the groups gnomAD compares: Non-Finnish European, 0.00085%; no homozygotes.

Submission:

Labcorp Genetics (formerly Invitae), Labcorp
Classification: Uncertain significance. Last evaluated: 2024-03-03. Review status: criteria provided, single submitter. Criteria: Invitae Variant Classification Sherloc (09022015). Collection method: clinical testing. Allele origin: germline.
Comment: This sequence change replaces lysine, which is basic and polar, with glutamine, which is neutral and polar, at codon 7 of the MFAP5 protein (p.Lys7Gln). The frequency data for this variant in the population databases is considered unreliable, as metrics indicate poor data quality at this position in the gnomAD database. This variant has not been reported in the literature in individuals affected with MFAP5-related conditions. An algorithm developed to predict the effect of missense changes on protein structure and function (PolyPhen-2) suggests that this variant is likely to be disruptive. In summary, the available evidence is currently insufficient to determine the role of this variant in disease. Therefore, it has been classified as a Variant of Uncertain Significance.

NM_003480.4(MFAP5):c.19A>C (p.Lys7Gln)

Gene: MFAP5 (microfibril associated protein 5; minus strand). Cytogenetic location: 12p13.31.
Variant type: single nucleotide variant.
Coding change: c.19A>C on transcript NM_003480.4 (MANE Select); coding-DNA position 19, A replaced by C.
Protein change: p.Lys7Gln; replaces lysine 7 with glutamine.
Molecular consequence: missense variant. On other transcripts: non-coding transcript variant (2).
Genome position (GRCh38, 1-based): chr12:8,662,086, T>G on the plus strand (A>C on the coding strand, the complement: MFAP5 is on the minus strand). VCF-style: chr12-8662086-T-G. GRCh37 (hg19) VCF-style: chr12-8814682-T-G.
Other names: c.19A>C, p.Lys7Gln (NM_001297709.2, NM_001297710.2, NM_001297711.2 and 1 more transcripts); short protein forms K7Q.
Identifiers: ClinVar variation 3678001 (VCV003678001.2).